The following is an entry in ClinVar:

NM_024312.5(GNPTAB):c.1774G>A (p.Ala592Thr)

Gene: GNPTAB (N-acetylglucosamine-1-phosphate transferase subunits alpha and beta; minus strand). Cytogenetic location: 12q23.2.
Variant type: single nucleotide variant.
Coding change: c.1774G>A on transcript NM_024312.5 (MANE Select); coding-DNA position 1774, G replaced by A.
Protein change: p.Ala592Thr; replaces alanine 592 with threonine.
Molecular consequence: missense variant.
Genome position (GRCh38, 1-based): chr12:101,765,143, C>T on the plus strand (G>A on the coding strand, the complement: GNPTAB is on the minus strand). VCF-style: chr12-101765143-C-T. GRCh37 (hg19) VCF-style: chr12-102158921-C-T.
Other names: short protein forms A592T.
Identifiers: ClinVar variation 100737 (VCV000100737.15), dbSNP rs149390820, ClinGen allele CA267599.

ClinVar aggregate classification (germline): Conflicting classifications of pathogenicity. Review status: criteria provided, conflicting classifications (1 of 4 stars). 9 submissions from 9 submitters: Likely pathogenic (1); Uncertain significance (7). 1 of the submissions does not count toward it. Last evaluated 2025-10-10.

Conditions:
Mucolipidosis type II. Also called: Mucolipidosis 2; ML 2; Inclusion cell disease; Leroy Disease; N-acetylglucosamine 1phosphotransferase deficiency; ML disorder type 2. Identifiers: Orphanet 576, MedGen C2673377, MONDO:0009650, OMIM 252500.
Pseudo-Hurler polydystrophy. Also called: Mucolipidosis III Alpha/Beta; Type III Mucolipidosis; ML IIIA; MUCOLIPIDOSIS IIIA; ML III; ML III ALPHA/BETA. Identifiers: Orphanet 423461, Orphanet 577, MedGen C0033788, MONDO:0018931, OMIM 252600.

Allele frequency attached by ClinVar (database versions not stated): gnomAD exomes 0.00010; ESP Exome Variant Server 0.00015; gnomAD 0.00006; ExAC 0.00014; TOPMed 0.00014.
gnomAD v4.1: 170 of 1,614,018 alleles (0.011%); highest among the groups gnomAD compares: Middle Eastern, 0.016%; no homozygotes.

Submissions (9):

Dasa
Classification: Uncertain significance. Last evaluated: 2025-10-10. Review status: criteria provided, single submitter. Criteria: DASA Assertion Criteria. Collection method: clinical testing. Allele origin: germline.
Comment: NM_024312.5(GNPTAB):c.1774G>A (p.Ala592Thr) is a missense variant that results in the substitution of alanine with threonine. This variant has been recurrently observed in individuals with GNPTAB-related disorders (PMID: 24767253; PMID: 25505245). Functional evidence supports an impact on the gene or gene product (PMID: 24767253; PMID: 25505245). Also, this variant is rare in population databases. The currently available literature and clinical evidence are not sufficient to establish a definitive association between this variant and the reported condition. Therefore, this variant is classified as a variant of uncertain significance.

Genomic Medicine Center of Excellence, King Faisal Specialist Hospital and Research Centre
Classification: Uncertain significance for Mucolipidosis type II. Last evaluated: 2024-03-25. Review status: criteria provided, single submitter. Criteria: ACMG Guidelines, 2015. Collection method: research. Allele origin: germline.

GeneDx
Classification: Uncertain significance. Last evaluated: 2023-09-30. Review status: criteria provided, single submitter. Criteria: GeneDx Variant Classification Process June 2021. Collection method: clinical testing. Allele origin: germline. Affected: yes.
Comment: Published functional studies demonstrate a damaging effect with significant reduction of enzyme function for the A592T mutant (PMID: 25505245); This variant is associated with the following publications: (PMID: 34426522, 31589614, 25505245, 24767253)

Department of Pathology and Laboratory Medicine, Sinai Health System
Classification: Uncertain significance for Mucolipidosis type II; Pseudo-Hurler polydystrophy. Last evaluated: 2023-04-11. Review status: criteria provided, single submitter. Criteria: ACMG Guidelines, 2015. Collection method: research. Allele origin: germline.

Labcorp Genetics (formerly Invitae), Labcorp
Classification: Uncertain significance for Pseudo-Hurler polydystrophy; Mucolipidosis type II. Last evaluated: 2022-06-11. Review status: criteria provided, single submitter. Criteria: Invitae Variant Classification Sherloc (09022015). Collection method: clinical testing. Allele origin: germline.
Comment: This sequence change replaces alanine, which is neutral and non-polar, with threonine, which is neutral and polar, at codon 592 of the GNPTAB protein (p.Ala592Thr). This variant is present in population databases (rs149390820, gnomAD 0.02%). This missense change has been observed in individual(s) with mucolipidosis type II and mucolipidosis type III (PMID: 24767253). ClinVar contains an entry for this variant (Variation ID: 100737). Algorithms developed to predict the effect of missense changes on protein structure and function are either unavailable or do not agree on the potential impact of this missense change (SIFT: "Tolerated"; PolyPhen-2: "Probably Damaging"; Align-GVGD: "Class C0"). Experimental studies have shown that this missense change affects GNPTAB function (PMID: 25505245). In summary, the available evidence is currently insufficient to determine the role of this variant in disease. Therefore, it has been classified as a Variant of Uncertain Significance.

Women's Health and Genetics/Laboratory Corporation of America, LabCorp
Classification: Uncertain significance. Last evaluated: 2022-04-21. Review status: criteria provided, single submitter. Criteria: LabCorp Variant Classification Summary - May 2015. Collection method: clinical testing. Allele origin: germline.
Comment: Variant summary: GNPTAB c.1774G>A (p.Ala592Thr) results in a non-conservative amino acid change in the encoded protein sequence. Five of five in-silico tools predict a damaging effect of the variant on protein function. The variant allele was found at a frequency of 9.5e-05 in 251440 control chromosomes. This frequency is not significantly higher than estimated for a pathogenic variant in GNPTAB causing Mucolipidosis (9.5e-05 vs 0.0022), allowing no conclusion about variant significance. c.1774G>A has been reported in the literature as a compound heterozygous genotype in at-least one comprehensively genotyped individual affected with Mucolipidosis (example, Fernandez-Marmiesse_2014). These data do not allow any conclusion about variant significance. At least one publication reports experimental evidence evaluating an impact on protein function (Qian_2015). The most pronounced variant effect results in 23% of normal Phosphotransferase activity in vitro and predominant localization within the Golgi complex. Two clinical diagnostic laboratories have submitted clinical-significance assessments for this variant to ClinVar after 2014 without evidence for independent evaluation. All laboratories classified the variant as uncertain significance. Based on the evidence outlined above, the variant was classified as VUS-possibly pathogenic.

Mayo Clinic Laboratories, Mayo Clinic
Classification: Likely pathogenic. Last evaluated: 2022-02-09. Review status: criteria provided, single submitter. Criteria: ACMG Guidelines, 2015. Collection method: clinical testing. Allele origin: germline. Observed: 1 variant allele.
Comment: PM2, PS3

Illumina Laboratory Services, Illumina
Classification: Uncertain significance for Mucolipidosis type II. Last evaluated: 2017-04-28. Review status: criteria provided, single submitter. Criteria: ICSL Variant Classification Criteria 13 December 2019. Collection method: clinical testing. Allele origin: germline.
Comment: This variant was observed as part of a predisposition screen in an ostensibly healthy population. A literature search was performed for the gene, cDNA change, and amino acid change (where applicable). Publications were found based on this search. However, the evidence from the literature, in combination with allele frequency data from public databases where available, was not sufficient to rule this variant in or out of causing disease. Therefore, this variant is classified as a variant of unknown significance.

Unidad de Diagnostico y Tratamiento de Errores Congenitos del Metabolismo. Hospital Clínico Universitário de Santiago de Compostela
Classification: Pathogenic for Pseudo-Hurler polydystrophy. Review status: no assertion criteria provided. Collection method: research. Allele origin: inherited. Affected: yes. Not counted in ClinVar's aggregate classification.

Literature cited by the submitters: PubMed 24767253 (cited by 5 submitters); PubMed 25505245 (cited by 5 submitters); PubMed 30882951 (cited by Women's Health and Genetics/Laboratory Corporation of America, LabCorp and Mayo Clinic Laboratories, Mayo Clinic); PubMed 26385638 (cited by Mayo Clinic Laboratories, Mayo Clinic); PubMed 31589614 (cited by Mayo Clinic Laboratories, Mayo Clinic); PubMed 34426522 (cited by Mayo Clinic Laboratories, Mayo Clinic).